The following is an entry in ClinVar:

ClinVar aggregate classification (germline): Uncertain significance. Review status: criteria provided, multiple submitters, no conflicts (2 of 4 stars). 2 submissions from 2 submitters: Uncertain significance (2). Last evaluated 2024-10-23.

Conditions:
Inborn genetic diseases. Identifiers: MedGen C0950123, MeSH D030342.

gnomAD v4.1: 10 of 1,594,926 alleles (0.00063%); highest among the groups gnomAD compares: East Asian, 0.0045%; no homozygotes.

Submissions (2):

Labcorp Genetics (formerly Invitae), Labcorp
Classification: Uncertain significance. Last evaluated: 2024-10-23. Review status: criteria provided, single submitter. Criteria: Invitae Variant Classification Sherloc (09022015). Collection method: clinical testing. Allele origin: germline.
Comment: This sequence change replaces isoleucine, which is neutral and non-polar, with valine, which is neutral and non-polar, at codon 327 of the ATP6V1A protein (p.Ile327Val). This variant is present in population databases (rs555121710, gnomAD 0.006%). This variant has not been reported in the literature in individuals affected with ATP6V1A-related conditions. Invitae Evidence Modeling of protein sequence and biophysical properties (such as structural, functional, and spatial information, amino acid conservation, physicochemical variation, residue mobility, and thermodynamic stability) indicates that this missense variant is not expected to disrupt ATP6V1A protein function with a negative predictive value of 80%. In summary, the available evidence is currently insufficient to determine the role of this variant in disease. Therefore, it has been classified as a Variant of Uncertain Significance.

Ambry Genetics
Classification: Uncertain significance for Inborn genetic diseases. Last evaluated: 2024-07-02. Review status: criteria provided, single submitter. Criteria: Ambry Variant Classification Scheme 2023. Collection method: clinical testing. Allele origin: germline.

NM_001690.4(ATP6V1A):c.979A>G (p.Ile327Val)

Gene: ATP6V1A (ATPase H+ transporting V1 subunit A; plus strand). Cytogenetic location: 3q13.31.
Variant type: single nucleotide variant.
Coding change: c.979A>G on transcript NM_001690.4 (MANE Select); coding-DNA position 979, A replaced by G.
Protein change: p.Ile327Val; replaces isoleucine 327 with valine.
Molecular consequence: missense variant.
Genome position (GRCh38, 1-based): chr3:113,789,831, A>G. VCF-style: chr3-113789831-A-G. GRCh37 (hg19) VCF-style: chr3-113508678-A-G.
Other names: short protein forms I327V.
Identifiers: ClinVar variation 3458786 (VCV003458786.3).